The following is an entry in ClinVar:

ClinVar aggregate classification (germline): Uncertain significance (1 of 4 stars; one submission).

gnomAD v4.1: 4 of 1,613,908 alleles (0.00025%); highest among the groups gnomAD compares: Non-Finnish European, 0.00034%; no homozygotes.

Submission:

CeGaT Center for Human Genetics Tuebingen
Classification: Uncertain significance. Last evaluated: 2026-07-01. Review status: criteria provided, single submitter. Criteria: CeGaT Center For Human Genetics Tuebingen Variant Classification Criteria Version 2. Collection method: clinical testing. Allele origin: germline. Affected: yes. Observed: 1 variant allele.
Comment: TNR: PM2, BP4

NM_003285.3(TNR):c.2662G>C (p.Val888Leu)

Gene: TNR (tenascin R; minus strand). Cytogenetic location: 1q25.1.
Variant type: single nucleotide variant.
Coding change: c.2662G>C on transcript NM_003285.3 (MANE Select); coding-DNA position 2662, G replaced by C.
Protein change: p.Val888Leu; replaces valine 888 with leucine.
Molecular consequence: missense variant.
Genome position (GRCh38, 1-based): chr1:175,363,753, C>G on the plus strand (G>C on the coding strand, the complement: TNR is on the minus strand). VCF-style: chr1-175363753-C-G. GRCh37 (hg19) VCF-style: chr1-175332889-C-G.
Other names: c.1663G>C, p.Val555Leu (NM_001328635.2); short protein forms V555L, V888L.
Identifiers: ClinVar variation 5040065 (VCV005040065.1).
Genomic context (GRCh38, chr1:175,363,753, plus strand): 5'-AAATCACTTTGTTACCTTGGGTGGGTCGATATGATACTCGGTAGTAATCGAAAGATGCAA[C>G]AGGAGGGCTCCAGGAGACCATCACTGAGTCCTTGGTCACATTGCTAATTGTGATGTCTTT-3'
Protein context (NP_003276.3, residues 878-898): DSVMVSWSPP[Val888Leu]ASFDYYRVSY